The following is an entry in ClinVar:

ClinVar aggregate classification (germline): Conflicting classifications of pathogenicity. Review status: criteria provided, conflicting classifications (1 of 4 stars). 3 submissions from 3 submitters: Likely pathogenic (1); Uncertain significance (1). 1 of the submissions does not count toward it. Last evaluated 2024-08-23.

Conditions:
GINS1-related disorder. Also called: GINS1-related condition.
Combined immunodeficiency due to GINS1 deficiency. Also called: IMMUNODEFICIENCY 55. Identifiers: Orphanet 505227, MedGen C5568132, MONDO:0044725, OMIM 617827.

Allele frequency attached by ClinVar (database versions not stated): gnomAD exomes below 0.00001; TOPMed below 0.00001.
gnomAD v4.1: 5 of 1,428,976 alleles (0.00035%); highest among the groups gnomAD compares: Non-Finnish European, 0.00049%; no homozygotes.

Submissions (3):

Blueprint Genetics
Classification: Likely pathogenic for GINS1-related disorders. Last evaluated: 2024-08-23. Review status: criteria provided, single submitter. Criteria: ACMG Guidelines, 2015. Collection method: clinical testing. Allele origin: germline. Affected: yes. Observed: 5 variant alleles.

Labcorp Genetics (formerly Invitae), Labcorp
Classification: Uncertain significance. Last evaluated: 2023-11-22. Review status: criteria provided, single submitter. Criteria: Invitae Variant Classification Sherloc (09022015). Collection method: clinical testing. Allele origin: germline.
Comment: This variant occurs in a non-coding region of the GINS1 gene. It does not change the encoded amino acid sequence of the GINS1 protein. RNA analysis indicates that this variant induces altered splicing and is likely to result in the loss of the initiator methionine. This variant is present in population databases (no rsID available, gnomAD 0.0009%). This variant has been observed in individual(s) with GINS1 deficiency (PMID: 28414293). ClinVar contains an entry for this variant (Variation ID: 487510). Studies have shown that this variant results in skipping of exon 1, and is expected to result in the loss of the initiator methionine (PMID: 28414293). In summary, the available evidence is currently insufficient to determine the role of this variant in disease. Therefore, it has been classified as a Variant of Uncertain Significance.

OMIM
Classification: Pathogenic for IMMUNODEFICIENCY 55. Last evaluated: 2018-01-09. Review status: no assertion criteria provided. Collection method: literature only. Allele origin: germline. Not counted in ClinVar's aggregate classification.

Literature cited by the submitters: PubMed 28414293 (cited by Labcorp Genetics (formerly Invitae), Labcorp and OMIM).

NM_021067.5(GINS1):c.-48C>G

Genes: GINS1 (GINS complex subunit 1; plus strand), LOC130065587 (ATAC-STARR-seq lymphoblastoid active region 17669; plus strand). Cytogenetic location: 20p11.21.
Variant type: single nucleotide variant.
Coding change: c.-48C>G on transcript NM_021067.5 (MANE Select); 48 bases upstream of the start codon, C replaced by G.
Molecular consequence: 5 prime UTR variant. On other transcripts: non-coding transcript variant (1).
Genome position (GRCh38, 1-based): chr20:25,407,773, C>G. VCF-style: chr20-25407773-C-G. GRCh37 (hg19) VCF-style: chr20-25388409-C-G.
Other names: -48C-G.
Identifiers: ClinVar variation 487510 (VCV000487510.7), dbSNP rs974304393, ClinGen allele CA313701216.